The following is an entry in ClinVar:

ClinVar aggregate classification (germline): Likely benign (1 of 4 stars; one submission).

gnomAD v4.1: 1,526 of 1,611,106 alleles (0.095%); highest among the groups gnomAD compares: Middle Eastern, 0.91%; 13 homozygotes.

Submission:

CeGaT Center for Human Genetics Tuebingen
Classification: Likely benign. Last evaluated: 2025-06-01. Review status: criteria provided, single submitter. Criteria: CeGaT Center For Human Genetics Tuebingen Variant Classification Criteria Version 2. Collection method: clinical testing. Allele origin: germline. Affected: yes. Observed: 1 variant allele.
Comment: EPHA10: BP4, BP7

NM_001099439.2(EPHA10):c.219G>T (p.Thr73=)

Gene: EPHA10 (EPH receptor A10; minus strand). Cytogenetic location: 1p34.3.
Variant type: single nucleotide variant.
Coding change: c.219G>T on transcript NM_001099439.2 (MANE Select); coding-DNA position 219, G replaced by T.
Protein change: p.Thr73=; no amino-acid change (threonine 73 retained).
Molecular consequence: synonymous variant.
Genome position (GRCh38, 1-based): chr1:37,762,036, C>A on the plus strand (G>T on the coding strand, the complement: EPHA10 is on the minus strand). VCF-style: chr1-37762036-C-A. GRCh37 (hg19) VCF-style: chr1-38227708-C-A.
Other names: c.219G>T, p.Thr73= (NM_173641.3).
Identifiers: ClinVar variation 3904884 (VCV003904884.10).